The following is an entry in ClinVar:

NM_005045.4(RELN):c.2260C>T (p.Arg754Trp)

Gene: RELN (reelin; minus strand). Cytogenetic location: 7q22.1.
Variant type: single nucleotide variant.
Coding change: c.2260C>T on transcript NM_005045.4 (MANE Select); coding-DNA position 2260, C replaced by T.
Protein change: p.Arg754Trp; replaces arginine 754 with tryptophan.
Molecular consequence: missense variant.
Genome position (GRCh38, 1-based): chr7:103,636,278, G>A on the plus strand (C>T on the coding strand, the complement: RELN is on the minus strand). VCF-style: chr7-103636278-G-A. GRCh37 (hg19) VCF-style: chr7-103276725-G-A.
Other names: c.2260C>T (NM_005045.3); c.2260C>T, p.Arg754Trp (NM_173054.3); short protein forms R754W.
Identifiers: ClinVar variation 284590 (VCV000284590.15), dbSNP rs759711654, ClinGen allele CA4422047.
Genomic context (GRCh38, chr7:103,636,278, plus strand): 5'-ACCCTGCCTTCACTCACCTGGATTGTGAGCTGTCAAGGAAAGATGTAATTAGCTGACGCC[G>A]CCCATCTTTGTTGAAAACCAGGGCCTTACCACTGGCCAAGACACCACAACCAAAGCTGAC-3'
Protein context (NP_005036.2, residues 744-764): GKALVFNKDG[Arg754Trp]RQLITSFLDS

ClinVar aggregate classification (germline): Uncertain significance. Review status: criteria provided, multiple submitters, no conflicts (2 of 4 stars). 5 submissions from 5 submitters: Uncertain significance (5). Last evaluated 2025-06-27.

Conditions:
Norman-Roberts syndrome (LIS2). Also called: Lissencephaly 2 (Norman-Roberts type). Identifiers: Orphanet 89844, MedGen C0796089, MONDO:0009760, OMIM 257320.
Familial temporal lobe epilepsy 7. Identifiers: Orphanet 101046, MedGen C4225327, MONDO:0014639, OMIM 616436.
Epilepsy, familial temporal lobe, 1. Identifiers: Orphanet 101046, MedGen CN030884, MONDO:0700090, OMIM 600512.
Inborn genetic diseases. Identifiers: MedGen C0950123, MeSH D030342.

Allele frequency attached by ClinVar (database versions not stated): TOPMed below 0.00001; gnomAD exomes 0.00001 and 0.00002; ExAC 0.00002.
gnomAD v4.1: 21 of 1,613,800 alleles (0.0013%); highest among the groups gnomAD compares: Admixed American, 0.005%; no homozygotes.

Submissions (5):

GeneDx
Classification: Uncertain significance. Last evaluated: 2025-06-27. Review status: criteria provided, single submitter. Criteria: GeneDx Variant Classification Process June 2021. Collection method: clinical testing. Allele origin: germline. Affected: yes.
Comment: Reported previously in the heterozygous state in an individual with seizures and mild cognitive impairment; inherited from a father with anxiety (PMID: 37625192); Not observed at significant frequency in large population cohorts (gnomAD); In silico analysis supports that this missense variant has a deleterious effect on protein structure/function; This variant is associated with the following publications: (PMID: 37625192)

Ambry Genetics
Classification: Uncertain significance for Inborn genetic diseases. Last evaluated: 2025-06-17. Review status: criteria provided, single submitter. Criteria: Ambry Variant Classification Scheme 2023. Collection method: clinical testing. Allele origin: germline.

Labcorp Genetics (formerly Invitae), Labcorp
Classification: Uncertain significance for Familial temporal lobe epilepsy 7; Norman-Roberts syndrome. Last evaluated: 2025-04-21. Review status: criteria provided, single submitter. Criteria: Invitae Variant Classification Sherloc (09022015). Collection method: clinical testing. Allele origin: germline.
Comment: This sequence change replaces arginine, which is basic and polar, with tryptophan, which is neutral and slightly polar, at codon 754 of the RELN protein (p.Arg754Trp). This variant is present in population databases (rs759711654, gnomAD 0.006%). This missense change has been observed in individual(s) with epilepsy with generalized tonic-clonic seizures (PMID: 37625192). ClinVar contains an entry for this variant (Variation ID: 284590). Invitae Evidence Modeling of protein sequence and biophysical properties (such as structural, functional, and spatial information, amino acid conservation, physicochemical variation, residue mobility, and thermodynamic stability) indicates that this missense variant is not expected to disrupt RELN protein function with a negative predictive value of 80%. Experimental studies have shown that this missense change affects RELN function (PMID: 37625192). In summary, the available evidence is currently insufficient to determine the role of this variant in disease. Therefore, it has been classified as a Variant of Uncertain Significance.

Fulgent Genetics
Classification: Uncertain significance for Norman-Roberts syndrome; Epilepsy, familial temporal lobe, 1; Familial temporal lobe epilepsy 7. Last evaluated: 2022-01-14. Review status: criteria provided, single submitter. Criteria: ACMG Guidelines, 2015. Collection method: clinical testing. Allele origin: unknown.

Eurofins Ntd Llc (ga)
Classification: Uncertain significance. Last evaluated: 2015-11-23. Review status: criteria provided, single submitter. Criteria: EGL Classification Definitions 2015. Collection method: clinical testing. Allele origin: germline. Observed: 1 variant allele, 1 heterozygote.

Literature cited by the submitters: PubMed 37625192 (cited by Labcorp Genetics (formerly Invitae), Labcorp).